The following is an entry in ClinVar:

ClinVar aggregate classification (germline): Benign. Review status: criteria provided, multiple submitters, no conflicts (2 of 4 stars). 13 submissions from 12 submitters: Benign (11). 2 of the submissions do not count toward it. Last evaluated 2026-05-08.

Conditions:
Postaxial polydactyly-anterior pituitary anomalies-facial dysmorphism syndrome. Also called: Culler-Jones syndrome. Identifiers: Orphanet 420584, MedGen C4014479, MONDO:0014369, OMIM 615849.
Holoprosencephaly 9 (HPE9). Also called: PITUITARY ANOMALIES WITH HOLOPROSENCEPHALY-LIKE FEATURES; HOLOPROSENCEPHALY WITH MICROPHTHALMIA AND FIRST BRANCHIAL ARCH ANOMALIES. Identifiers: Orphanet 2162, MedGen C1835819, MONDO:0012563, OMIM 610829.

Allele frequency attached by ClinVar (database versions not stated): TOPMed 0.59844; gnomAD 0.61050 and 0.61468; ESP Exome Variant Server 0.62408; ExAC 0.63438; gnomAD exomes 0.63584 and 0.69900; 1000 Genomes Project 0.51238; 1000 Genomes Project 30x 0.51421.
gnomAD v4.1: 1,111,629 of 1,611,978 alleles (69%); highest among the groups gnomAD compares: Non-Finnish European, 74%; 391,025 homozygotes.

Submissions (13):

Women's Health and Genetics/Laboratory Corporation of America, LabCorp
Classification: Benign. Last evaluated: 2026-05-08. Review status: criteria provided, single submitter. Criteria: LabCorp Variant Classification Summary - May 2015. Collection method: clinical testing. Allele origin: germline.

Labcorp Genetics (formerly Invitae), Labcorp
Classification: Benign for Postaxial polydactyly-anterior pituitary anomalies-facial dysmorphism syndrome; Holoprosencephaly 9. Last evaluated: 2026-02-04. Review status: criteria provided, single submitter. Criteria: Invitae Variant Classification Sherloc (09022015). Collection method: clinical testing. Allele origin: germline.

ARUP Laboratories, Molecular Genetics and Genomics, ARUP Laboratories
Classification: Benign. Last evaluated: 2025-03-24. Review status: criteria provided, single submitter. Criteria: ARUP Molecular Germline Variant Investigation Process 2024. Collection method: clinical testing. Allele origin: germline.

Blueprint Genetics
Classification: Benign. Last evaluated: 2024-11-26. Review status: criteria provided, single submitter. Criteria: ACMG Guidelines, 2015. Collection method: clinical testing. Allele origin: germline.

Genome-Nilou Lab
Classification: Benign for Postaxial polydactyly-anterior pituitary anomalies-facial dysmorphism syndrome. Last evaluated: 2021-08-10. Review status: criteria provided, single submitter. Criteria: ACMG Guidelines, 2015. Collection method: clinical testing. Allele origin: germline. Affected: no.

Genome-Nilou Lab
Classification: Benign for Holoprosencephaly 9. Last evaluated: 2021-08-10. Review status: criteria provided, single submitter. Criteria: ACMG Guidelines, 2015. Collection method: clinical testing. Allele origin: germline. Affected: no.

GeneDx
Classification: Benign. Last evaluated: 2018-11-28. Review status: criteria provided, single submitter. Criteria: GeneDx Variant Classification Process June 2021. Collection method: clinical testing. Allele origin: germline. Affected: yes.

Illumina Laboratory Services, Illumina
Classification: Benign for Holoprosencephaly 9. Last evaluated: 2018-01-13. Review status: criteria provided, single submitter. Criteria: ICSL Variant Classification Criteria 13 December 2019. Collection method: clinical testing. Allele origin: germline.
Comment: This variant was observed in the ICSL laboratory as part of a predisposition screen in an ostensibly healthy population. It had not been previously curated by ICSL or reported in the Human Gene Mutation Database (HGMD: prior to June 1st, 2018), and was therefore a candidate for classification through an automated scoring system. Utilizing variant allele frequency, disease prevalence and penetrance estimates, and inheritance mode, an automated score was calculated to assess if this variant is too frequent to cause the disease. Based on the score and internal cut-off values, a variant classified as benign is not then subjected to further curation. The score for this variant resulted in a classification of benign for this disease.

Eurofins Ntd Llc (ga)
Classification: Benign. Last evaluated: 2013-05-09. Review status: criteria provided, single submitter. Criteria: EGL Classification Definitions 2015. Collection method: clinical testing. Allele origin: germline. Observed: 9 variant alleles, 4 heterozygotes, 5 homozygotes.

Breakthrough Genomics
Classification: Benign. Review status: criteria provided, single submitter. Criteria: ACMG Guidelines, 2015. Collection method: not provided. Allele origin: germline. Inheritance: Autosomal dominant inheritance. Affected: yes.

PreventionGenetics, part of Exact Sciences
Classification: Benign. Review status: criteria provided, single submitter. Criteria: ACMG Guidelines, 2015. Collection method: clinical testing. Allele origin: germline.

Clinical Genetics, Academic Medical Center
Classification: Benign. Review status: no assertion criteria provided. Collection method: clinical testing. Allele origin: germline. Affected: yes. Study: VKGL Data-share Consensus. Not counted in ClinVar's aggregate classification.

Diagnostic Laboratory, Department of Genetics, University Medical Center Groningen
Classification: Benign. Review status: no assertion criteria provided. Collection method: clinical testing. Allele origin: germline. Affected: yes. Study: VKGL Data-share Consensus. Not counted in ClinVar's aggregate classification.

NM_001374353.1(GLI2):c.3888A>G (p.Pro1296=)

Gene: GLI2 (GLI family zinc finger 2; plus strand). Cytogenetic location: 2q14.2.
Variant type: single nucleotide variant.
Coding change: c.3888A>G on transcript NM_001374353.1 (MANE Select); coding-DNA position 3888, A replaced by G.
Protein change: p.Pro1296=; no amino-acid change (proline 1296 retained).
Molecular consequence: synonymous variant.
Genome position (GRCh38, 1-based): chr2:120,989,853, A>G. VCF-style: chr2-120989853-A-G. GRCh37 (hg19) VCF-style: chr2-121747429-A-G.
Other names: c.3939A>G, p.Pro1313= (NM_001371271.1, NM_005270.5); c.3513A>G, p.Pro1171= (NM_001374354.1).
Identifiers: ClinVar variation 95273 (VCV000095273.38), dbSNP rs10167980, ClinGen allele CA148371.